The following is an entry in ClinVar:

NM_016816.4(OAS1):c.1082_1083delinsCA (p.Arg361Thr)

Gene: OAS1 (2'-5'-oligoadenylate synthetase 1; plus strand). Cytogenetic location: 12q24.13.
Variant type: Indel.
Coding change: c.1082_1083delinsCA on transcript NM_016816.4 (MANE Select); coding-DNA positions 1082 to 1083, GG replaced by CA.
Protein change: p.Arg361Thr; replaces arginine 361 with threonine.
Molecular consequence: missense variant. On other transcripts: 3 prime UTR variant (5), non-coding transcript variant (7), intron variant (5).
Genome position (GRCh38, 1-based): chr12:112,919,432-112,919,433, GG replaced by CA. VCF-style: chr12-112919432-GG-CA. GRCh37 (hg19) VCF-style: chr12-113357237-GG-CA.
Other names: c.*719_*720delinsCA (NM_001406029.1, NM_001406022.1, NM_001406023.1); c.*1675_*1676delinsCA (NM_001406030.1, NM_001406024.1); c.1038+1732_1038+1733delinsCA (NM_001320151.2); c.1014+1732_1014+1733delinsCA (NM_001406025.1); c.1039-55_1039-54delinsCA (NM_001032409.3); c.1015-55_1015-54delinsCA (NM_001406020.1); c.565-55_565-54delinsCA (NM_001406026.1); c.1058_1059delinsCA, p.Arg353Thr (NM_001406021.1); and 1 more; short protein forms R203T, R353T, R361T.
Identifiers: ClinVar variation 4779964 (VCV004779964.1).
Genomic context (GRCh38, chr12:112,919,432, plus strand): 5'-GTGTCTCACCCTTTCAGGCTGAAAGCAACAGTGCAGACGATGAGACCGACGATCCCAGGA[GG>CA]TATCAGAAATATGGTTACATTGGAACACATGAGTACCCTCATTTCTCTCATAGACCCAGC-3'
Protein context (NP_058132.2, residues 351-371): SADDETDDPR[Arg361Thr]YQKYGYIGTH

ClinVar aggregate classification (germline): Uncertain significance (1 of 4 stars; one submission).

Submission:

Labcorp Genetics (formerly Invitae), Labcorp
Classification: Uncertain significance. Last evaluated: 2025-12-13. Review status: criteria provided, single submitter. Criteria: Invitae Variant Classification Sherloc (09022015). Collection method: clinical testing. Allele origin: germline.
Comment: This sequence change replaces arginine, which is basic and polar, with threonine, which is neutral and polar, at codon 361 of the OAS1 protein (p.Arg361Thr). Information on the frequency of this variant in the gnomAD database is not available, as this variant may be reported differently in the database. This variant has not been reported in the literature in individuals affected with OAS1-related conditions. An algorithm developed to predict the effect of missense changes on protein structure and function (PolyPhen-2) suggests that this variant is likely to be tolerated. In summary, the available evidence is currently insufficient to determine the role of this variant in disease. Therefore, it has been classified as a Variant of Uncertain Significance.